The following is an entry in ClinVar:

NM_000051.4(ATM):c.1104A>C (p.Gln368His)

Gene: ATM (ATM serine/threonine kinase; plus strand). Cytogenetic location: 11q22.3.
Variant type: single nucleotide variant.
Coding change: c.1104A>C on transcript NM_000051.4 (MANE Select); coding-DNA position 1104, A replaced by C.
Protein change: p.Gln368His; replaces glutamine 368 with histidine.
Molecular consequence: missense variant.
Genome position (GRCh38, 1-based): chr11:108,248,971, A>C. VCF-style: chr11-108248971-A-C. GRCh37 (hg19) VCF-style: chr11-108119698-A-C.
Other names: c.1104A>C, p.Gln368His (NM_001351834.2); short protein forms Q368H.
Identifiers: ClinVar variation 419368 (VCV000419368.8), dbSNP rs560691658, ClinGen allele CA16619106.

ClinVar aggregate classification (germline): Conflicting classifications of pathogenicity. Review status: criteria provided, conflicting classifications (1 of 4 stars). 3 submissions from 3 submitters: Uncertain significance (2); Likely benign (1). Last evaluated 2026-01-06.

Conditions:
Hereditary cancer-predisposing syndrome. Also called: Hereditary neoplastic syndrome; Hereditary Cancer Syndrome; Neoplastic Syndromes, Hereditary; Tumor predisposition. Identifiers: Orphanet 140162, MedGen C0027672, MeSH D009386, MONDO:0015356.
Ataxia-telangiectasia syndrome (AT). Also called: Ataxia-telangiectasia, complementation group D; Cerebello-oculocutaneous telangiectasia; Immunodeficiency with ataxia telangiectasia; ATAXIA-TELANGIECTASIA, COMPLEMENTATION GROUP A; ATAXIA-TELANGIECTASIA, FRESNO VARIANT; LOUIS-BAR SYNDROME. Identifiers: Orphanet 100, MedGen C0004135, MONDO:0008840, OMIM 208900.

Submissions (3):

Labcorp Genetics (formerly Invitae), Labcorp
Classification: Uncertain significance for Ataxia-telangiectasia syndrome. Last evaluated: 2026-01-06. Review status: criteria provided, single submitter. Criteria: Invitae Variant Classification Sherloc (09022015). Collection method: clinical testing. Allele origin: germline.
Comment: This sequence change replaces glutamine, which is neutral and polar, with histidine, which is basic and polar, at codon 368 of the ATM protein (p.Gln368His). This variant is not present in population databases (gnomAD no frequency). This variant has not been reported in the literature in individuals affected with ATM-related conditions. ClinVar contains an entry for this variant (Variation ID: 419368). Invitae Evidence Modeling of protein sequence and biophysical properties (such as structural, functional, and spatial information, amino acid conservation, physicochemical variation, residue mobility, and thermodynamic stability) indicates that this missense variant is not expected to disrupt ATM protein function with a negative predictive value of 95%. In summary, the available evidence is currently insufficient to determine the role of this variant in disease. Therefore, it has been classified as a Variant of Uncertain Significance.

Ambry Genetics
Classification: Likely benign for Hereditary cancer-predisposing syndrome. Last evaluated: 2024-11-25. Review status: criteria provided, single submitter. Criteria: Ambry Variant Classification Scheme 2023. Collection method: clinical testing. Allele origin: germline.

GeneDx
Classification: Uncertain significance. Last evaluated: 2015-07-10. Review status: criteria provided, single submitter. Criteria: GeneDx Variant Classification (06012015). Collection method: clinical testing. Allele origin: germline. Affected: yes.
Comment: This variant is denoted ATM c.1104A>C at the cDNA level, p.Gln368His (Q368H) at the protein level, and results in the change of a Glutamine to a Histidine (CAA>CAC). This variant has not, to our knowledge, been published in the literature as pathogenic or benign. ATM Gln368His was not observed in approximately 6,500 individuals of European and African American ancestry in the NHLBI Exome Sequencing Project, indicating it is not a common benign variant in these populations. Since Glutamine and Histidine differ in some properties, this is considered a semi-conservative amino acid substitution. ATM Gln368His occurs at a position that is conserved across species and is not located in a known functional domain (Stracker 2013, Tavtigian 2009). In silico analyses predict that this variant is probably damaging to protein structure and function. Based on currently available information, it is unclear whether ATM Gln368His is pathogenic or benign. We consider it to be a variant of uncertain significance.